The following is an entry in ClinVar:

NM_001256545.2(MEGF10):c.2704G>T (p.Val902Phe)

Gene: MEGF10 (multiple EGF like domains 10; plus strand). Cytogenetic location: 5q23.2.
Variant type: single nucleotide variant.
Coding change: c.2704G>T on transcript NM_001256545.2 (MANE Select); coding-DNA position 2704, G replaced by T.
Protein change: p.Val902Phe; replaces valine 902 with phenylalanine.
Molecular consequence: missense variant.
Genome position (GRCh38, 1-based): chr5:127,445,669, G>T. VCF-style: chr5-127445669-G-T. GRCh37 (hg19) VCF-style: chr5-126781361-G-T.
Other names: c.2704G>T, p.Val902Phe (NM_032446.3); short protein forms V902F.
Identifiers: ClinVar variation 864285 (VCV000864285.7), dbSNP rs138034219, ClinGen allele CA3391993.

ClinVar aggregate classification (germline): Uncertain significance (1 of 4 stars; one submission).

Conditions:
MEGF10-related myopathy (CMYO10A). Also called: Congenital myopathy 10A, severe variant. Identifiers: Orphanet 439212, MedGen C3280679, MONDO:0013731, OMIM 614399.

Allele frequency attached by ClinVar (database versions not stated): 1000 Genomes Project 30x 0.00031; 1000 Genomes Project 0.00040.
gnomAD v4.1: 88 of 1,613,780 alleles (0.0055%); highest among the groups gnomAD compares: South Asian, 0.085%; no homozygotes.

Submission:

Labcorp Genetics (formerly Invitae), Labcorp
Classification: Uncertain significance for MEGF10-related myopathy. Last evaluated: 2022-03-10. Review status: criteria provided, single submitter. Criteria: Invitae Variant Classification Sherloc (09022015). Collection method: clinical testing. Allele origin: germline.
Comment: This sequence change replaces valine, which is neutral and non-polar, with phenylalanine, which is neutral and non-polar, at codon 902 of the MEGF10 protein (p.Val902Phe). This variant is present in population databases (rs138034219, gnomAD 0.1%). This variant has not been reported in the literature in individuals affected with MEGF10-related conditions. ClinVar contains an entry for this variant (Variation ID: 864285). Algorithms developed to predict the effect of missense changes on protein structure and function are either unavailable or do not agree on the potential impact of this missense change (SIFT: "Deleterious"; PolyPhen-2: "Benign"; Align-GVGD: "Class C0"). In summary, the available evidence is currently insufficient to determine the role of this variant in disease. Therefore, it has been classified as a Variant of Uncertain Significance.